The following is an entry in ClinVar:

NM_003242.6(TGFBR2):c.1514T>C (p.Leu505Pro)

Gene: TGFBR2 (transforming growth factor beta receptor 2; plus strand). Cytogenetic location: 3p24.1.
Variant type: single nucleotide variant.
Coding change: c.1514T>C on transcript NM_003242.6 (MANE Select); coding-DNA position 1514, T replaced by C.
Protein change: p.Leu505Pro; replaces leucine 505 with proline.
Molecular consequence: missense variant.
Genome position (GRCh38, 1-based): chr3:30,688,501, T>C. VCF-style: chr3-30688501-T-C. GRCh37 (hg19) VCF-style: chr3-30729993-T-C.
Other names: c.1589T>C, p.Leu530Pro (NM_001024847.3); c.1697T>C, p.Leu566Pro (NM_001407126.1); c.1622T>C, p.Leu541Pro (NM_001407127.1); c.1541T>C, p.Leu514Pro (NM_001407128.1); c.1517T>C, p.Leu506Pro (NM_001407129.1); c.1511T>C, p.Leu504Pro (NM_001407130.1); c.1409T>C, p.Leu470Pro (NM_001407132.1, NM_001407133.1, NM_001407134.1 and 2 more transcripts); c.1229T>C, p.Leu410Pro (NM_001407137.1); and 2 more; short protein forms L505P, L530P, L566P, L470P, L504P, L385P, L410P, L541P.
Identifiers: ClinVar variation 1329012 (VCV001329012.4), dbSNP rs2125452246, ClinGen allele CA351809445.

ClinVar aggregate classification (germline): Uncertain significance. Review status: criteria provided, multiple submitters, no conflicts (2 of 4 stars). 2 submissions from 2 submitters: Uncertain significance (2). Last evaluated 2025-10-06.

Allele frequency attached by ClinVar (database versions not stated): gnomAD exomes below 0.00001.
gnomAD v4.1: 1 of 1,614,230 alleles (0.000062%); highest among the groups gnomAD compares: South Asian, 0.0011%; no homozygotes.

Submissions (2):

GeneDx
Classification: Uncertain significance. Last evaluated: 2025-10-06. Review status: criteria provided, single submitter. Criteria: GeneDx Variant Classification Process June 2021. Collection method: clinical testing. Allele origin: germline. Affected: yes.
Comment: Not observed at significant frequency in large population cohorts (gnomAD); In silico analysis supports that this missense variant has a deleterious effect on protein structure/function; Has not been previously published as pathogenic or benign to our knowledge

Women's Health and Genetics/Laboratory Corporation of America, LabCorp
Classification: Uncertain significance. Last evaluated: 2021-11-03. Review status: criteria provided, single submitter. Criteria: LabCorp Variant Classification Summary - May 2015. Collection method: clinical testing. Allele origin: germline.